The following is an entry in ClinVar:

ClinVar aggregate classification (germline): Conflicting classifications of pathogenicity. Review status: criteria provided, conflicting classifications (1 of 4 stars). 4 submissions from 4 submitters: Uncertain significance (2); Likely benign (2). Last evaluated 2025-06-01.

Conditions:
Inborn genetic diseases. Identifiers: MedGen C0950123, MeSH D030342.
DDX41-related hematologic malignancy predisposition syndrome. Also called: Myeloproliferative/lymphoproliferative neoplasms, familial (multiple types), susceptibility to; DDX41-Associated Familial Myelodysplastic Syndrome and Acute Myeloid Leukemia. Identifiers: Orphanet 488647, MedGen C4225174, MONDO:0014809, OMIM 616871.

Allele frequency attached by ClinVar (database versions not stated): TOPMed 0.00001; gnomAD exomes 0.00010; gnomAD 0.00013; 1000 Genomes Project 30x 0.00016; 1000 Genomes Project 0.00020; ExAC 0.00021.
gnomAD v4.1: 177 of 1,613,474 alleles (0.011%); highest among the groups gnomAD compares: Non-Finnish European, 0.0019%; no homozygotes.

Submissions (4):

Labcorp Genetics (formerly Invitae), Labcorp
Classification: Likely benign. Last evaluated: 2025-06-01. Review status: criteria provided, single submitter. Criteria: Invitae Variant Classification Sherloc (09022015). Collection method: clinical testing. Allele origin: germline.

Ambry Genetics
Classification: Likely benign for Inborn genetic diseases. Last evaluated: 2025-04-22. Review status: criteria provided, single submitter. Criteria: Ambry Variant Classification Scheme 2023. Collection method: clinical testing. Allele origin: germline.

GeneDx
Classification: Uncertain significance. Last evaluated: 2024-07-30. Review status: criteria provided, single submitter. Criteria: GeneDx Variant Classification Process June 2021. Collection method: clinical testing. Allele origin: germline. Affected: yes.
Comment: In silico analysis indicates that this missense variant does not alter protein structure/function; Has not been previously published as pathogenic or benign to our knowledge; This variant is associated with the following publications: (PMID: 27721487)

Baylor Genetics
Classification: Uncertain significance for DDX41-related hematologic malignancy predisposition syndrome. Last evaluated: 2023-10-11. Review status: criteria provided, single submitter. Criteria: ACMG Guidelines, 2015. Collection method: clinical testing. Allele origin: unknown.

NM_016222.4(DDX41):c.748T>G (p.Leu250Val)

Gene: DDX41 (DEAD-box helicase 41; minus strand). Cytogenetic location: 5q35.3.
Variant type: single nucleotide variant.
Coding change: c.748T>G on transcript NM_016222.4 (MANE Select); coding-DNA position 748, T replaced by G.
Protein change: p.Leu250Val; replaces leucine 250 with valine.
Molecular consequence: missense variant.
Genome position (GRCh38, 1-based): chr5:177,514,966, A>C on the plus strand (T>G on the coding strand, the complement: DDX41 is on the minus strand). VCF-style: chr5-177514966-A-C. GRCh37 (hg19) VCF-style: chr5-176941967-A-C.
Other names: c.748T>G (NM_016222.2); c.370T>G, p.Leu124Val (NM_001321732.2, NM_001321830.2); short protein forms L124V, L250V.
Identifiers: ClinVar variation 2674767 (VCV002674767.6), dbSNP rs200707924, ClinGen allele CA3585036.